The following is an entry in ClinVar:

ClinVar aggregate classification (germline): Uncertain significance (1 of 4 stars; one submission).

Conditions:
Developmental and epileptic encephalopathy, 36 (DEE36). Also called: ALG13-CDG; Epileptic encephalopathy, early infantile, 36; Congenital disorder of glycosylation, type Is. Identifiers: Orphanet 324422, MedGen C4317295, MONDO:0010472, OMIM 300884.

Allele frequency attached by ClinVar (database versions not stated): gnomAD exomes below 0.00001.
gnomAD v4.1: 1 of 1,178,197 alleles (0.000085%); highest among the groups gnomAD compares: Non-Finnish European, 0.00012%; no homozygotes.

Submission:

Labcorp Genetics (formerly Invitae), Labcorp
Classification: Uncertain significance for Developmental and epileptic encephalopathy, 36. Last evaluated: 2023-08-16. Review status: criteria provided, single submitter. Criteria: Invitae Variant Classification Sherloc (09022015). Collection method: clinical testing. Allele origin: germline.
Comment: This sequence change falls in intron 7 of the ALG13 gene. It does not directly change the encoded amino acid sequence of the ALG13 protein. It affects a nucleotide within the consensus splice site. This variant is not present in population databases (gnomAD no frequency). This variant has not been reported in the literature in individuals affected with ALG13-related conditions. Variants that disrupt the consensus splice site are a relatively common cause of aberrant splicing (PMID: 17576681, 9536098). Algorithms developed to predict the effect of sequence changes on RNA splicing suggest that this variant is not likely to affect RNA splicing. In summary, the available evidence is currently insufficient to determine the role of this variant in disease. Therefore, it has been classified as a Variant of Uncertain Significance.

Literature cited by the submitters: PubMed 17576681; PubMed 9536098.

NM_001099922.3(ALG13):c.933-3T>C

Gene: ALG13 (ALG13 UDP-N-acetylglucosaminyltransferase subunit; plus strand). Cytogenetic location: Xq23.
Variant type: single nucleotide variant.
Coding change: c.933-3T>C on transcript NM_001099922.3 (MANE Select); 3 bases into the intron before coding-DNA position 933, T replaced by C.
Molecular consequence: intron variant.
Genome position (GRCh38, 1-based): chrX:111,713,222, T>C. VCF-style: chrX-111713222-T-C. GRCh37 (hg19) VCF-style: chrX-110956450-T-C.
Other names: c.621-3T>C (NM_001257237.2, NM_001324293.1, NM_001257234.2 and 1 more transcripts); c.699-3T>C (NM_001257231.2); c.933-3T>C (NM_001324292.2).
Identifiers: ClinVar variation 2752674 (VCV002752674.3), dbSNP rs2525662444, ClinGen allele CA2694480746.
Genomic context (GRCh38, chrX:111,713,222, plus strand): 5'-TATAACTATCTCTTACGTATGCCAAATTATGTCTTCCCACTTACCTTTGTTTTCCCCATA[T>C]AGTCGGGATTTCATTCTTTATCGCTTTCCTGGAAAACCTCCAACTTATGTCACAGATAAT-3'